The following is an entry in ClinVar:

NM_006904.7(PRKDC):c.2540C>A (p.Ser847Tyr)

Gene: PRKDC (protein kinase, DNA-activated, catalytic subunit; minus strand). Cytogenetic location: 8q11.21.
Variant type: single nucleotide variant.
Coding change: c.2540C>A on transcript NM_006904.7 (MANE Select); coding-DNA position 2540, C replaced by A.
Protein change: p.Ser847Tyr; replaces serine 847 with tyrosine.
Molecular consequence: missense variant.
Genome position (GRCh38, 1-based): chr8:47,915,405, G>T on the plus strand (C>A on the coding strand, the complement: PRKDC is on the minus strand). VCF-style: chr8-47915405-G-T. GRCh37 (hg19) VCF-style: chr8-48827965-G-T.
Other names: c.2540C>A, p.Ser847Tyr (NM_001081640.2); short protein forms S847Y.
Identifiers: ClinVar variation 2449819 (VCV002449819.2), dbSNP rs2551877082, ClinGen allele CA371160034.

ClinVar aggregate classification (germline): Uncertain significance (1 of 4 stars; one submission).

Submission:

Ambry Genetics
Classification: Uncertain significance. Last evaluated: 2022-11-23. Review status: criteria provided, single submitter. Criteria: Ambry Variant Classification Scheme 2023. Collection method: clinical testing. Allele origin: germline.
Comment: The p.S847Y variant (also known as c.2540C>A), located in coding exon 23 of the PRKDC gene, results from a C to A substitution at nucleotide position 2540. The serine at codon 847 is replaced by tyrosine, an amino acid with dissimilar properties. This amino acid position is conserved. In addition, the in silico prediction for this alteration is inconclusive. Since supporting evidence is limited at this time, the clinical significance of this alteration remains unclear.